The following is an entry in ClinVar:

NM_001354930.2(RIPK1):c.954del (p.Met318fs)

Gene: RIPK1 (receptor interacting serine/threonine kinase 1; plus strand). Cytogenetic location: 6p25.2.
Variant type: Deletion.
Coding change: c.954del on transcript NM_001354930.2 (MANE Select); coding-DNA position 954, one base deleted (G; older notation c.954delG).
Protein change: p.Met318fs; shifts the reading frame from methionine 318.
Molecular consequence: frameshift variant.
Genome position (GRCh38, 1-based): chr6:3,104,263, G deleted. VCF-style (leftmost placement, unchanged base first): chr6-3104262-TG-T. GRCh37 (hg19) VCF-style: chr6-3104496-TG-T.
Other names: c.465del, p.Met155fs (NM_001317061.3, NM_001354932.2, NM_001354933.2 and 1 more transcripts); c.816del, p.Met272fs (NM_001354931.2); c.954del, p.Met318fs (NM_003804.6); short protein forms M318fs, M155fs, M272fs.
Identifiers: ClinVar variation 598790 (VCV000598790.4), dbSNP rs1561772403, ClinGen allele CA913189667.

ClinVar aggregate classification (germline): Pathogenic/Likely pathogenic. Review status: no assertion criteria provided (0 of 4 stars). 2 submissions from 2 submitters: Pathogenic (1); Likely pathogenic (1). Last evaluated 2019-09-26.

Conditions:
IL10-related early-onset inflammatory bowel disease. Also called: Immune dysregulation-inflammatory bowel disease-arthritis-recurrent infections syndrome; Autosomal recessive early-onset inflammatory bowel disease. Identifiers: Orphanet 238569, MedGen C4749850, MONDO:0016542.
Inborn error of immunity. Also called: Primary immunodeficiency; Inborn errors of immunity. Identifiers: Orphanet 101997, MedGen C0398686, MONDO:0003778.
Immunodeficiency 57. Also called: IMMUNODEFICIENCY 57 WITH AUTOINFLAMMATION. Identifiers: MedGen C4748212, MONDO:0020849, OMIM 618108.

Submissions (2):

Biochemical Molecular Genetic Laboratory, King Abdulaziz Medical City
Classification: Likely pathogenic for Immunodeficiency 57. Last evaluated: 2019-09-26. Review status: no assertion criteria provided. Collection method: clinical testing. Allele origin: germline. Affected: yes.

Klein lab, Ludwig-Maximilians-University
Classification: Pathogenic for Immune dysregulation-inflammatory bowel disease-arthritis-recurrent infections syndrome; Primary immunodeficiency. Review status: no assertion criteria provided. Collection method: research. Allele origin: germline. Affected: yes. Observed: 1 variant allele.

Literature cited by the submitters: PubMed 30591564 (cited by Klein lab, Ludwig-Maximilians-University).